The following is an entry in ClinVar:

NM_001042492.3(NF1):c.6525_6537del (p.Ile2176fs)

Gene: NF1 (neurofibromin 1; plus strand). Cytogenetic location: 17q11.2.
Variant type: Deletion.
Coding change: c.6525_6537del on transcript NM_001042492.3 (MANE Select); coding-DNA positions 6525 to 6537, 13 bases deleted (CATTGCCTTCCGT).
Protein change: p.Ile2176fs; shifts the reading frame from isoleucine 2176.
Molecular consequence: frameshift variant.
Genome position (GRCh38, 1-based): chr17:31,337,465-31,337,477, CATTGCCTTCCGT deleted; deleting any 13 consecutive bases within chr17:31,337,463-31,337,477 gives the same sequence; the c. name uses the placement nearest the transcript's 3' end. VCF-style (leftmost placement, unchanged base first): chr17-31337462-TGTCATTGCCTTCC-T. GRCh37 (hg19) VCF-style: chr17-29664480-TGTCATTGCCTTCC-T.
Other names: c.6525_6537del13 (NM_001042492.2); c.6462_6474delCATTGCCTTCCGT, p.Ile2155Profs (NM_000267.4); short protein forms I2155fs, I2176fs.
Identifiers: ClinVar variation 428945 (VCV000428945.3), dbSNP rs1131691071, ClinGen allele CA645369725.

ClinVar aggregate classification (germline): Pathogenic (1 of 4 stars; one submission).

Conditions:
Hereditary cancer-predisposing syndrome. Also called: Hereditary Cancer Syndrome; Neoplastic Syndromes, Hereditary; Hereditary neoplastic syndrome; Tumor predisposition. Identifiers: Orphanet 140162, MedGen C0027672, MeSH D009386, MONDO:0015356.

Submission:

Ambry Genetics
Classification: Pathogenic for Hereditary cancer-predisposing syndrome. Last evaluated: 2014-03-10. Review status: criteria provided, single submitter. Criteria: Ambry Autosomal Dominant and X-Linked criteria (10/2015). Collection method: clinical testing. Allele origin: germline. Observed: 1 variant allele.
Comment: The c.6525_6537del13 pathogenic mutation located in coding exon 43 of the NF1 gene, results from a deletion of 13 nucleotides between nucleotide positions 6525 and 6537, causing a translational frameshift with a predicted alternate stop codon (p.I2176Pfs*20). Since frameshifts are typically deleterious in nature, this alteration is interpreted as a disease-causing mutation (ACMG Recommendations for Standards for Interpretation and Reporting of Sequence Variations. Revision 2007. Genet Med. 2008;10:294).